The following is an entry in ClinVar:

NM_000069.3(CACNA1S):c.5325T>C (p.Asn1775=)

Gene: CACNA1S (calcium voltage-gated channel subunit alpha1 S; minus strand). Cytogenetic location: 1q32.1.
Variant type: single nucleotide variant.
Coding change: c.5325T>C on transcript NM_000069.3 (MANE Select); coding-DNA position 5325, T replaced by C.
Protein change: p.Asn1775=; no amino-acid change (asparagine 1775 retained).
Molecular consequence: synonymous variant.
Genome position (GRCh38, 1-based): chr1:201,040,276, A>G on the plus strand (T>C on the coding strand, the complement: CACNA1S is on the minus strand). VCF-style: chr1-201040276-A-G. GRCh37 (hg19) VCF-style: chr1-201009404-A-G.
Identifiers: ClinVar variation 741851 (VCV000741851.12), dbSNP rs762606454, ClinGen allele CA083808.
Genomic context (GRCh38, chr1:201,040,276, plus strand): 5'-CAGCCCCTGGCTCACCTTTTGGATCAGCAGGGCTGTAGCTGGTGCTGAGCACCTGGAAGT[A>G]TTCTCCCTGGTGCTCCTGCTGTGGGGTGTCTCCTCATGAAGAGACCCTGGTGTGGAGCTC-3'
Protein context (NP_000060.2, residues 1765-1785): ETPHSRSTRE[Asn1775=]TSRCSAPATA

ClinVar aggregate classification (germline): Likely benign. Review status: criteria provided, multiple submitters, no conflicts (2 of 4 stars). 4 submissions from 4 submitters: Likely benign (4). Last evaluated 2025-09-14.

Conditions:
Hypokalemic periodic paralysis, type 1. Also called: Hypokalemic Periodic Paralysis Type 1 (AD); HypoPP. Identifiers: Orphanet 681, MedGen C3714580, MONDO:0042979, OMIM 170400.
Malignant hyperthermia, susceptibility to, 5 (MHS5). Also called: CACNA1S-Related Malignant Hyperthermia Susceptibility. Identifiers: Orphanet 423, MedGen C1866077, MONDO:0011163, OMIM 601887.

Allele frequency attached by ClinVar (database versions not stated): TOPMed 0.00001; gnomAD exomes 0.00002 and 0.00004; gnomAD 0.00003 and 0.00004; ExAC 0.00004.

Submissions (4):

Labcorp Genetics (formerly Invitae), Labcorp
Classification: Likely benign for Hypokalemic periodic paralysis, type 1; Malignant hyperthermia, susceptibility to, 5. Last evaluated: 2025-09-14. Review status: criteria provided, single submitter. Criteria: Invitae Variant Classification Sherloc (09022015). Collection method: clinical testing. Allele origin: germline.

Blueprint Genetics
Classification: Likely benign. Last evaluated: 2024-08-12. Review status: criteria provided, single submitter. Criteria: ACMG Guidelines, 2015. Collection method: clinical testing. Allele origin: germline.

All of Us Research Program, National Institutes of Health
Classification: Likely benign for Malignant hyperthermia, susceptibility to, 5. Last evaluated: 2023-11-20. Review status: criteria provided, single submitter. Criteria: ACMG Guidelines, 2015. Collection method: clinical testing. Allele origin: germline. Inheritance: Autosomal dominant inheritance. Observed: 5 variant alleles, 5 heterozygotes.
Comment: This study involves interpretation of variants in research participants for the purpose of population health screening. Participant phenotype was not available at the time of variant classification. Additional details can be found in publication PMID: 35346344, PMCID: PMC8962531

Color Diagnostics, LLC DBA Color Health
Classification: Likely benign for Malignant hyperthermia, susceptibility to, 5. Last evaluated: 2022-11-06. Review status: criteria provided, single submitter. Criteria: ACMG Guidelines, 2015. Collection method: clinical testing. Allele origin: germline.